The following is an entry in ClinVar:

ClinVar aggregate classification (germline): Uncertain significance. Review status: criteria provided, multiple submitters, no conflicts (2 of 4 stars). 3 submissions from 3 submitters: Uncertain significance (3). Last evaluated 2025-10-13.

Conditions:
Hereditary cancer-predisposing syndrome. Also called: Neoplastic Syndromes, Hereditary; Tumor predisposition; Hereditary neoplastic syndrome; Hereditary Cancer Syndrome. Identifiers: Orphanet 140162, MedGen C0027672, MeSH D009386, MONDO:0015356.

Submissions (3):

Labcorp Genetics (formerly Invitae), Labcorp
Classification: Uncertain significance. Last evaluated: 2025-10-13. Review status: criteria provided, single submitter. Criteria: Invitae Variant Classification Sherloc (09022015). Collection method: clinical testing. Allele origin: germline.
Comment: This sequence change replaces glycine, which is neutral and non-polar, with glutamic acid, which is acidic and polar, at codon 226 of the HOXB13 protein (p.Gly226Glu). This variant is not present in population databases (gnomAD no frequency). This variant has not been reported in the literature in individuals affected with HOXB13-related conditions. ClinVar contains an entry for this variant (Variation ID: 826616). Invitae Evidence Modeling of protein sequence and biophysical properties (such as structural, functional, and spatial information, amino acid conservation, physicochemical variation, residue mobility, and thermodynamic stability) indicates that this missense variant is not expected to disrupt HOXB13 protein function with a negative predictive value of 80%. In summary, the available evidence is currently insufficient to determine the role of this variant in disease. Therefore, it has been classified as a Variant of Uncertain Significance.

Ambry Genetics
Classification: Uncertain significance for Hereditary cancer-predisposing syndrome. Last evaluated: 2023-12-29. Review status: criteria provided, single submitter. Criteria: Ambry Variant Classification Scheme 2023. Collection method: clinical testing. Allele origin: germline.
Comment: The p.G226E variant (also known as c.677G>A), located in coding exon 2 of the HOXB13 gene, results from a G to A substitution at nucleotide position 677. The glycine at codon 226 is replaced by glutamic acid, an amino acid with similar properties. This amino acid position is highly conserved through mammals but not in all available vertebrate species. In addition, the in silico prediction for this alteration is inconclusive. Since supporting evidence is limited at this time, the clinical significance of this alteration remains unclear.

GeneDx
Classification: Uncertain significance. Last evaluated: 2019-04-29. Review status: criteria provided, single submitter. Criteria: GeneDx Variant Classification Process June 2021. Collection method: clinical testing. Allele origin: germline. Affected: yes.
Comment: Has not been previously published as pathogenic or benign to our knowledge

NM_006361.6(HOXB13):c.677G>A (p.Gly226Glu)

Gene: HOXB13 (homeobox B13; minus strand). Cytogenetic location: 17q21.32.
Variant type: single nucleotide variant.
Coding change: c.677G>A on transcript NM_006361.6 (MANE Select); coding-DNA position 677, G replaced by A.
Protein change: p.Gly226Glu; replaces glycine 226 with glutamic acid.
Molecular consequence: missense variant.
Genome position (GRCh38, 1-based): chr17:48,726,968, C>T on the plus strand (G>A on the coding strand, the complement: HOXB13 is on the minus strand). VCF-style: chr17-48726968-C-T. GRCh37 (hg19) VCF-style: chr17-46804330-C-T.
Other names: short protein forms G226E.
Identifiers: ClinVar variation 826616 (VCV000826616.15), dbSNP rs1597932841, ClinGen allele CA400106680.